The following is an entry in ClinVar:

ClinVar aggregate classification (germline): Uncertain significance. Review status: criteria provided, multiple submitters, no conflicts (2 of 4 stars). 2 submissions from 2 submitters: Uncertain significance (2). Last evaluated 2025-11-25.

Conditions:
3-methylglutaconic aciduria, type VIIB (MGCA7B). Also called: 3-methylglutaconic aciduria with cataracts, neurologic involvement and neutropenia; CLPB Deficiency; 3-methylglutaconic aciduria, type VII, with cataracts, neurologic involvement and neutropenia. Identifiers: Orphanet 445038, MedGen C5676893, MONDO:0014561, OMIM 616271.

Allele frequency attached by ClinVar (database versions not stated): gnomAD exomes below 0.00001 and 0.00001; TOPMed below 0.00001; ESP Exome Variant Server 0.00008.

Submissions (2):

Labcorp Genetics (formerly Invitae), Labcorp
Classification: Uncertain significance for 3-methylglutaconic aciduria, type VIIB. Last evaluated: 2025-11-25. Review status: criteria provided, single submitter. Criteria: Invitae Variant Classification Sherloc (09022015). Collection method: clinical testing. Allele origin: germline.
Comment: This sequence change affects the initiator codon of the CLPB mRNA. This change may impact translation initiation or efficiency. The next in-frame methionine is located at codon 115. This variant is present in population databases (rs369149141, gnomAD 0.002%). This variant has not been reported in the literature in individuals affected with CLPB-related conditions. ClinVar contains an entry for this variant (Variation ID: 855897). Experimental studies and prediction algorithms are not available or were not evaluated, and the functional significance of this variant is currently unknown. In summary, the available evidence is currently insufficient to determine the role of this variant in disease. Therefore, it has been classified as a Variant of Uncertain Significance.

Mayo Clinic Laboratories, Mayo Clinic
Classification: Uncertain significance. Last evaluated: 2025-06-24. Review status: criteria provided, single submitter. Criteria: ACMG Guidelines, 2015. Collection method: clinical testing. Allele origin: germline. Observed: 1 variant allele.
Comment: PM2_supporting, PVS1_moderate

NM_001258392.3(CLPB):c.2T>C (p.Met1Thr)

Genes: CLPB (ClpB family mitochondrial disaggregase; minus strand), LOC130006336 (ATAC-STARR-seq lymphoblastoid active region 5191; plus strand). Cytogenetic location: 11q13.4.
Variant type: single nucleotide variant.
Coding change: c.2T>C on transcript NM_001258392.3 (MANE Select); coding-DNA position 2, T replaced by C.
Protein change: p.Met1Thr; changes the start codon (methionine 1).
Molecular consequence: missense variant, initiator codon variant. On other transcripts: 5 prime UTR variant (1).
Genome position (GRCh38, 1-based): chr11:72,434,473, A>G on the plus strand (T>C on the coding strand, the complement: CLPB is on the minus strand). VCF-style: chr11-72434473-A-G. GRCh37 (hg19) VCF-style: chr11-72145517-A-G.
Other names: p.Met1?; c.2T>C, p.Met1Thr (NM_001258393.3, NM_030813.6); c.-241T>C (NM_001258394.3); short protein forms M1T.
Identifiers: ClinVar variation 855897 (VCV000855897.12), dbSNP rs369149141, ClinGen allele CA224518989.